The following is an entry in ClinVar:

NM_174936.4(PCSK9):c.833A>T (p.Gln278Leu)

Gene: PCSK9 (proprotein convertase subtilisin/kexin type 9; plus strand). Cytogenetic location: 1p32.3.
Variant type: single nucleotide variant.
Coding change: c.833A>T on transcript NM_174936.4 (MANE Select); coding-DNA position 833, A replaced by T.
Protein change: p.Gln278Leu; replaces glutamine 278 with leucine.
Molecular consequence: missense variant. On other transcripts: non-coding transcript variant (8).
Genome position (GRCh38, 1-based): chr1:55,056,026, A>T. VCF-style: chr1-55056026-A-T. GRCh37 (hg19) VCF-style: chr1-55521699-A-T.
Other names: c.956A>T, p.Gln319Leu (NM_001407240.1); c.833A>T, p.Gln278Leu (NM_001407241.1, NM_001407244.1, NM_001407247.1); c.836A>T, p.Gln279Leu (NM_001407242.1); c.776A>T, p.Gln259Leu (NM_001407243.1); c.641A>T, p.Gln214Leu (NM_001407245.1); c.458A>T, p.Gln153Leu (NM_001407246.1); short protein forms Q153L, Q214L, Q259L, Q278L, Q279L, Q319L.
Identifiers: ClinVar variation 3387434 (VCV003387434.1).

ClinVar aggregate classification (germline): Uncertain significance (1 of 4 stars; one submission).

Conditions:
Hypercholesterolemia, autosomal dominant, 3 (FHCL3). Also called: Familial Hypercholesterolemia, Autosomal Dominant, 3; PCSK9-Related Familial Hypercholesterolemia, Autosomal Dominant; Familial hypercholesterolemia 3. Identifiers: MedGen C1863551, MONDO:0011369, OMIM 603776.

Submission:

All of Us Research Program, National Institutes of Health
Classification: Uncertain significance for Hypercholesterolemia, autosomal dominant, 3. Last evaluated: 2024-04-16. Review status: criteria provided, single submitter. Criteria: ACMG Guidelines, 2015. Collection method: clinical testing. Allele origin: germline. Inheritance: Autosomal dominant inheritance. Observed: 1 variant allele, 1 heterozygote.
Comment: This missense variant replaces glutamine with leucine at codon 278 of the PCSK9 protein. Computational prediction suggests that this variant may not impact protein structure and function (internally defined REVEL score threshold <= 0.5, PMID: 27666373). To our knowledge, functional studies have not been reported for this variant. This variant has not been reported in individuals affected with PCSK9-related disorders in the literature. This variant has been identified in 1/243456 chromosomes in the general population by the Genome Aggregation Database (gnomAD). The available evidence is insufficient to determine the role of this variant in disease conclusively. Therefore, this variant is classified as a Variant of Uncertain Significance.

This study involves interpretation of variants in research participants for the purpose of population health screening. Participant phenotype was not available at the time of variant classification. Additional details can be found in publication PMID: 35346344, PMCID: PMC8962531